The following is an entry in ClinVar:

ClinVar aggregate classification (germline): Uncertain significance. Review status: criteria provided, multiple submitters, no conflicts (2 of 4 stars). 4 submissions from 4 submitters: Uncertain significance (4). Last evaluated 2025-12-04.

Conditions:
Inborn genetic diseases. Identifiers: MedGen C0950123, MeSH D030342.
EXT2-related disorder. Also called: EXT2-related condition.
Exostoses, multiple, type 2 (EXT2). Also called: Hereditary Multiple Osteochondromatosis, Type II; EXOSTOSES, MULTIPLE, TYPE II. Identifiers: Orphanet 321, MedGen C1851413, MONDO:0007586, OMIM 133701.

Allele frequency attached by ClinVar (database versions not stated): ExAC 0.00001; gnomAD 0.00001; gnomAD exomes 0.00001; TOPMed 0.00003; ESP Exome Variant Server 0.00008.
gnomAD v4.1: 3 of 1,613,866 alleles (0.00019%); highest among the groups gnomAD compares: Non-Finnish European, 0.00025%; no homozygotes.

Submissions (4):

Ambry Genetics
Classification: Uncertain significance for Inborn genetic diseases. Last evaluated: 2025-12-04. Review status: criteria provided, single submitter. Criteria: Ambry Variant Classification Scheme 2023. Collection method: clinical testing. Allele origin: germline.

PreventionGenetics, part of Exact Sciences
Classification: Uncertain significance for EXT2-related condition. Last evaluated: 2025-09-17. Review status: criteria provided, single submitter. Criteria: ACMG Guidelines, 2015. Collection method: clinical testing. Allele origin: germline.
Comment: The EXT2 c.1515C>G variant is predicted to result in the amino acid substitution p.Ile505Met. To our knowledge, this variant has not been reported in the literature. This variant is reported in 0.0031% of alleles in individuals of European (non-Finnish) descent in gnomAD. This variant is interpreted as uncertain in ClinVar (Variation ID: 1370781). At this time, the clinical significance of this variant is uncertain due to the absence of conclusive functional and genetic evidence.

Labcorp Genetics (formerly Invitae), Labcorp
Classification: Uncertain significance for Exostoses, multiple, type 2. Last evaluated: 2025-07-06. Review status: criteria provided, single submitter. Criteria: Invitae Variant Classification Sherloc (09022015). Collection method: clinical testing. Allele origin: germline.
Comment: This sequence change replaces isoleucine, which is neutral and non-polar, with methionine, which is neutral and non-polar, at codon 505 of the EXT2 protein (p.Ile505Met). This variant is present in population databases (rs145279140, gnomAD 0.003%). This variant has not been reported in the literature in individuals affected with EXT2-related conditions. ClinVar contains an entry for this variant (Variation ID: 1370781). Invitae Evidence Modeling of protein sequence and biophysical properties (such as structural, functional, and spatial information, amino acid conservation, physicochemical variation, residue mobility, and thermodynamic stability) has been performed for this missense variant. However, the output from this modeling did not meet the statistical confidence thresholds required to predict the impact of this variant on EXT2 protein function. In summary, the available evidence is currently insufficient to determine the role of this variant in disease. Therefore, it has been classified as a Variant of Uncertain Significance.

Baylor Genetics
Classification: Uncertain significance for Exostoses, multiple, type 2. Last evaluated: 2023-09-04. Review status: criteria provided, single submitter. Criteria: ACMG Guidelines, 2015. Collection method: clinical testing. Allele origin: unknown.

NM_207122.2(EXT2):c.1515C>G (p.Ile505Met)

Gene: EXT2 (exostosin glycosyltransferase 2; plus strand). Cytogenetic location: 11p11.2.
Variant type: single nucleotide variant.
Coding change: c.1515C>G on transcript NM_207122.2 (MANE Select); coding-DNA position 1515, C replaced by G.
Protein change: p.Ile505Met; replaces isoleucine 505 with methionine.
Molecular consequence: missense variant.
Genome position (GRCh38, 1-based): chr11:44,206,812, C>G. VCF-style: chr11-44206812-C-G. GRCh37 (hg19) VCF-style: chr11-44228362-C-G.
Other names: c.1515C>G (NM_207122.1); c.1614C>G, p.Ile538Met (NM_000401.3); c.1545C>G, p.Ile515Met (NM_001178083.3); c.1515C>G, p.Ile505Met (NM_001389628.1, NM_001389630.1); short protein forms I538M, I505M, I515M.
Identifiers: ClinVar variation 1370781 (VCV001370781.9), dbSNP rs145279140, ClinGen allele CA5955283.